The following is an entry in ClinVar:

ClinVar aggregate classification (germline): Uncertain significance (1 of 4 stars; one submission).

Allele frequency attached by ClinVar (database versions not stated): gnomAD exomes 0.00001.
gnomAD v4.1: 11 of 1,612,912 alleles (0.00068%); highest among the groups gnomAD compares: East Asian, 0.013%; no homozygotes.

Submission:

Labcorp Genetics (formerly Invitae), Labcorp
Classification: Uncertain significance. Last evaluated: 2021-06-28. Review status: criteria provided, single submitter. Criteria: Invitae Variant Classification Sherloc (09022015). Collection method: clinical testing. Allele origin: germline.
Comment: In summary, the available evidence is currently insufficient to determine the role of this variant in disease. Therefore, it has been classified as a Variant of Uncertain Significance. Algorithms developed to predict the effect of missense changes on protein structure and function (SIFT, PolyPhen-2, Align-GVGD) all suggest that this variant is likely to be disruptive, but these predictions have not been confirmed by published functional studies and their clinical significance is uncertain. This variant has not been reported in the literature in individuals with LMF1-related conditions. This variant is not present in population databases (ExAC no frequency). This sequence change replaces methionine with threonine at codon 393 of the LMF1 protein (p.Met393Thr). The methionine residue is highly conserved and there is a moderate physicochemical difference between methionine and threonine.

NM_022773.4(LMF1):c.1178T>C (p.Met393Thr)

Gene: LMF1 (lipase maturation factor 1; minus strand). Cytogenetic location: 16p13.3.
Variant type: single nucleotide variant.
Coding change: c.1178T>C on transcript NM_022773.4 (MANE Select); coding-DNA position 1178, T replaced by C.
Protein change: p.Met393Thr; replaces methionine 393 with threonine.
Molecular consequence: missense variant. On other transcripts: non-coding transcript variant (1).
Genome position (GRCh38, 1-based): chr16:870,783, A>G on the plus strand (T>C on the coding strand, the complement: LMF1 is on the minus strand). VCF-style: chr16-870783-A-G. GRCh37 (hg19) VCF-style: chr16-920783-A-G.
Other names: c.527T>C, p.Met176Thr (NM_001352017.2, NM_001352021.2); c.779T>C, p.Met260Thr (NM_001352018.2); c.851T>C, p.Met284Thr (NM_001352019.2); c.1178T>C, p.Met393Thr (NM_001352020.1); short protein forms M260T, M393T, M176T, M284T.
Identifiers: ClinVar variation 1522798 (VCV001522798.8), dbSNP rs1314645627, ClinGen allele CA394126217.